The following is an entry in ClinVar:

NM_001308093.3(GATA4):c.214G>A (p.Gly72Ser)

Gene: GATA4 (GATA binding protein 4). Cytogenetic location: 8p23.1.
Variant type: single nucleotide variant.
Coding change: c.214G>A on transcript NM_001308093.3 (MANE Select); coding-DNA position 214, G replaced by A.
Protein change: p.Gly72Ser; replaces glycine 72 with serine.
Molecular consequence: missense variant. On other transcripts: intron variant (3).
Genome position (GRCh38, 1-based): chr8:11,708,526, G>A. VCF-style: chr8-11708526-G-A. GRCh37 (hg19) VCF-style: chr8-11566035-G-A.
Other names: c.214G>A, p.Gly72Ser (NM_002052.5); c.-6+7748G>A (NM_001308094.2); c.-3+512G>A (NM_001374274.1); c.-3+4222G>A (NM_001374273.1); short protein forms G72S.
Identifiers: ClinVar variation 2313275 (VCV002313275.3), dbSNP rs1310454033, ClinGen allele CA370309166.
Genomic context (GRCh38, chr8:11,708,526, plus strand): 5'-TCCTACCTCCAGGGCGGAGGCGCGGGCTCTGCGTCCGGAGGCGCCTCGGGCGGCAGCTCC[G>A]GTGGGGCCGCGTCTGGTGCGGGGCCCGGGACCCAGCAGGGCAGCCCGGGATGGAGCCAGG-3'
Protein context (NP_001295022.1, residues 62-82): ASGGASGGSS[Gly72Ser]GAASGAGPGT

ClinVar aggregate classification (germline): Uncertain significance. Review status: criteria provided, multiple submitters, no conflicts (2 of 4 stars). 2 submissions from 2 submitters: Uncertain significance (2). Last evaluated 2025-09-17.

Conditions:
Atrioventricular septal defect 4 (AVSD4). Identifiers: MedGen C3280781, MONDO:0013747, OMIM 614430.
Cardiovascular phenotype. Identifiers: MedGen CN230736.

Submissions (2):

Labcorp Genetics (formerly Invitae), Labcorp
Classification: Uncertain significance for Atrioventricular septal defect 4. Last evaluated: 2025-09-17. Review status: criteria provided, single submitter. Criteria: Invitae Variant Classification Sherloc (09022015). Collection method: clinical testing. Allele origin: germline.
Comment: This sequence change replaces glycine, which is neutral and non-polar, with serine, which is neutral and polar, at codon 72 of the GATA4 protein (p.Gly72Ser). This variant is not present in population databases (gnomAD no frequency). This variant has not been reported in the literature in individuals affected with GATA4-related conditions. ClinVar contains an entry for this variant (Variation ID: 2313275). Invitae Evidence Modeling of protein sequence and biophysical properties (such as structural, functional, and spatial information, amino acid conservation, physicochemical variation, residue mobility, and thermodynamic stability) indicates that this missense variant is not expected to disrupt GATA4 protein function with a negative predictive value of 95%. In summary, the available evidence is currently insufficient to determine the role of this variant in disease. Therefore, it has been classified as a Variant of Uncertain Significance.

Ambry Genetics
Classification: Uncertain significance for Cardiovascular phenotype. Last evaluated: 2022-09-26. Review status: criteria provided, single submitter. Criteria: Ambry Variant Classification Scheme 2023. Collection method: clinical testing. Allele origin: germline.